The following is an entry in ClinVar:

NC_000001.11:g.(?_3186115)_(3186484_?)dup

Gene: PRDM16 (PR/SET domain 16; plus strand). Cytogenetic location: 1p36.32.
Variant type: Duplication.
Identifiers: ClinVar variation 832280 (VCV000832280.1).

ClinVar aggregate classification (germline): Uncertain significance (1 of 4 stars; one submission).

Conditions:
Left ventricular noncompaction 8 (LVNC8). Identifiers: Orphanet 154, Orphanet 54260, MedGen C3809288, MONDO:0014152, OMIM 615373.

Submission:

Labcorp Genetics (formerly Invitae), Labcorp
Classification: Uncertain significance for Left ventricular noncompaction 8. Last evaluated: 2019-03-22. Review status: criteria provided, single submitter. Criteria: Invitae Variant Classification Sherloc (09022015). Collection method: clinical testing. Allele origin: germline.
Comment: This variant results in a copy number gain of the genomic region encompassing exon 2 of the PRDM16 gene. While the exact position of this variant cannot be determined from this data, sub-genic copy number gains are generally in tandem (PMID: 25640679) and may result in an absent or disrupted protein product. This variant has not been reported in the literature in individuals with PRDM16-related conditions. The current clinical and genetic evidence is not sufficient to establish whether loss-of-function variants in PRDM16 cause disease. In summary, the available evidence is currently insufficient to determine the role of this variant in disease. Therefore, it has been classified as a Variant of Uncertain Significance.